The following is an entry in ClinVar:

NM_000138.5(FBN1):c.731G>A (p.Cys244Tyr)

Gene: FBN1 (fibrillin 1; minus strand). Cytogenetic location: 15q21.1.
Variant type: single nucleotide variant.
Coding change: c.731G>A on transcript NM_000138.5 (MANE Select); coding-DNA position 731, G replaced by A.
Protein change: p.Cys244Tyr; replaces cysteine 244 with tyrosine.
Molecular consequence: missense variant.
Genome position (GRCh38, 1-based): chr15:48,537,616, C>T on the plus strand (G>A on the coding strand, the complement: FBN1 is on the minus strand). VCF-style: chr15-48537616-C-T. GRCh37 (hg19) VCF-style: chr15-48829813-C-T.
Other names: c.731G>A, p.Cys244Tyr (NM_001406716.1, NM_001406717.1); short protein forms C244Y.
Identifiers: ClinVar variation 4294093 (VCV004294093.2).

ClinVar aggregate classification (germline): Uncertain significance. Review status: criteria provided, multiple submitters, no conflicts (2 of 4 stars). 2 submissions from 2 submitters: Uncertain significance (2). Last evaluated 2024-09-12.

Conditions:
Marfan syndrome (MFS). Also called: MARFAN SYNDROME, TYPE I; Marfan syndrome type 1; Marfan's syndrome; Marfan syndrome, classic; FBN1-Related Marfan Syndrome. Identifiers: Orphanet 284963, Orphanet 558, MedGen C0024796, MONDO:0007947, OMIM 154700.

Submissions (2):

3billion
Classification: Uncertain significance for Marfan syndrome. Last evaluated: 2024-09-12. Review status: criteria provided, single submitter. Criteria: ACMG Guidelines, 2015. Collection method: clinical testing. Allele origin: germline. Affected: yes.
Comment: The variant is not observed in the gnomAD v4.0.0 dataset. Predicted Consequence/Location: Missense variant In silico tool predictions suggest damaging effect of the variant on gene or gene product [REVEL: 0.85 (>=0.6, sensitivity 0.68 and specificity 0.92)]. Therefore, this variant is classified as VUS according to the recommendation of ACMG/AMP guideline.

Blueprint Genetics
Classification: Uncertain significance. Last evaluated: 2024-01-18. Review status: criteria provided, single submitter. Criteria: ACMG Guidelines, 2015. Collection method: clinical testing. Allele origin: germline.